The following is an entry in ClinVar:

NM_001104631.2(PDE4D):c.922-6049T>C

Gene: PDE4D (phosphodiesterase 4D; minus strand). Cytogenetic location: 5q11.2.
Variant type: single nucleotide variant.
Coding change: c.922-6049T>C on transcript NM_001104631.2 (MANE Select); 6049 bases into the intron before coding-DNA position 922, T replaced by C.
Molecular consequence: intron variant. On other transcripts: missense variant (1).
Genome position (GRCh38, 1-based): chr5:58,999,514, A>G on the plus strand (T>C on the coding strand, the complement: PDE4D is on the minus strand). VCF-style: chr5-58999514-A-G. GRCh37 (hg19) VCF-style: chr5-58295341-A-G.
Other names: c.23T>C, p.Leu8Pro (NM_001197223.2); c.739-6049T>C (NM_001364599.1, NM_001165899.2); c.154-6049T>C (NM_001349243.2, NM_001364604.1); c.709-6049T>C (NM_001349241.2); c.730-6049T>C (NM_001197218.2); c.16-6049T>C (NM_001364603.1, NM_001197221.2); c.514-6049T>C (NM_006203.5); c.592-6049T>C (NM_001349242.2); and 3 more; short protein forms L8P.
Identifiers: ClinVar variation 2628797 (VCV002628797.1), dbSNP rs763422026, ClinGen allele CA118805171.

ClinVar aggregate classification (germline): Uncertain significance (1 of 4 stars; one submission).

Conditions:
PDE4D-related disorder. Also called: PDE4D-related condition.

Allele frequency attached by ClinVar (database versions not stated): TOPMed below 0.00001; gnomAD 0.00001; gnomAD exomes 0.00001.
gnomAD v4.1: 11 of 1,535,332 alleles (0.00072%); highest among the groups gnomAD compares: Non-Finnish European, 0.00097%; no homozygotes.

Submission:

PreventionGenetics, part of Exact Sciences
Classification: Uncertain significance for PDE4D-related condition. Last evaluated: 2022-09-28. Review status: criteria provided, single submitter. Criteria: ACMG Guidelines, 2015. Collection method: clinical testing. Allele origin: germline.
Comment: The PDE4D c.23T>C variant is predicted to result in the amino acid substitution p.Leu8Pro. To our knowledge, this variant has not been reported in the literature or in a large population database, indicating this variant is rare. At this time, the clinical significance of this variant is uncertain due to the absence of conclusive functional and genetic evidence.